The following is an entry in ClinVar:

NM_015466.4(PTPN23):c.4378C>T (p.His1460Tyr)

Gene: PTPN23 (protein tyrosine phosphatase non-receptor type 23; plus strand). Cytogenetic location: 3p21.31.
Variant type: single nucleotide variant.
Coding change: c.4378C>T on transcript NM_015466.4 (MANE Select); coding-DNA position 4378, C replaced by T.
Protein change: p.His1460Tyr; replaces histidine 1460 with tyrosine.
Molecular consequence: missense variant.
Genome position (GRCh38, 1-based): chr3:47,412,574, C>T. VCF-style: chr3-47412574-C-T. GRCh37 (hg19) VCF-style: chr3-47454064-C-T.
Other names: c.4000C>T, p.His1334Tyr (NM_001304482.2); short protein forms H1460Y, H1334Y.
Identifiers: ClinVar variation 2049951 (VCV002049951.4), dbSNP rs2546259734, ClinGen allele CA352566966.
Genomic context (GRCh38, chr3:47,412,574, plus strand): 5'-CTGCACCTCAGGTTCTGCTATGAGGCAGTGGTGAGACACGTGGAGCAGGTCCTGCAGCGC[C>T]ATGGTGTGCCTCCTCCATGCAAACCCTTGGCCAGTGCAAGCATCAGCCAGAAGGTGAGGA-3'
Protein context (NP_056281.1, residues 1450-1470): VRHVEQVLQR[His1460Tyr]GVPPPCKPLA

ClinVar aggregate classification (germline): Uncertain significance (1 of 4 stars; one submission).

Submission:

Labcorp Genetics (formerly Invitae), Labcorp
Classification: Uncertain significance. Last evaluated: 2022-08-23. Review status: criteria provided, single submitter. Criteria: Invitae Variant Classification Sherloc (09022015). Collection method: clinical testing. Allele origin: germline.
Comment: This variant is not present in population databases (gnomAD no frequency). This sequence change replaces histidine, which is basic and polar, with tyrosine, which is neutral and polar, at codon 1460 of the PTPN23 protein (p.His1460Tyr). This variant has not been reported in the literature in individuals affected with PTPN23-related conditions. In summary, the available evidence is currently insufficient to determine the role of this variant in disease. Therefore, it has been classified as a Variant of Uncertain Significance. Algorithms developed to predict the effect of missense changes on protein structure and function are either unavailable or do not agree on the potential impact of this missense change (SIFT: "Tolerated"; PolyPhen-2: "Possibly Damaging"; Align-GVGD: "Class C0").